The following is an entry in ClinVar:

ClinVar aggregate classification (germline): Uncertain significance. Review status: criteria provided, multiple submitters, no conflicts (2 of 4 stars). 2 submissions from 2 submitters: Uncertain significance (2). Last evaluated 2023-12-11.

Conditions:
DYRK1A-related intellectual disability syndrome (MRD7). Also called: DYRK1A Syndrome; Intellectual developmental disorder, autosomal dominant 7. Identifiers: Orphanet 464306, MedGen C5568143, MONDO:0013578, OMIM 614104.

Allele frequency attached by ClinVar (database versions not stated): gnomAD exomes below 0.00001.
gnomAD v4.1: 2 of 1,612,872 alleles (0.00012%); highest among the groups gnomAD compares: South Asian, 0.0022%; no homozygotes.

Submissions (2):

Revvity Omics, Revvity
Classification: Uncertain significance for DYRK1A-related intellectual disability syndrome. Last evaluated: 2023-12-11. Review status: criteria provided, single submitter. Criteria: ACMG Guidelines, 2015. Collection method: clinical testing. Allele origin: germline.

Labcorp Genetics (formerly Invitae), Labcorp
Classification: Uncertain significance for DYRK1A-related intellectual disability syndrome. Last evaluated: 2022-11-01. Review status: criteria provided, single submitter. Criteria: Invitae Variant Classification Sherloc (09022015). Collection method: clinical testing. Allele origin: germline.
Comment: In summary, the available evidence is currently insufficient to determine the role of this variant in disease. Therefore, it has been classified as a Variant of Uncertain Significance. Advanced modeling of protein sequence and biophysical properties (such as structural, functional, and spatial information, amino acid conservation, physicochemical variation, residue mobility, and thermodynamic stability) performed at Invitae indicates that this missense variant is not expected to disrupt DYRK1A protein function. This variant has not been reported in the literature in individuals affected with DYRK1A-related conditions. This variant is present in population databases (no rsID available, gnomAD 0.003%). This sequence change replaces methionine, which is neutral and non-polar, with isoleucine, which is neutral and non-polar, at codon 229 of the DYRK1A protein (p.Met229Ile).

NM_001347721.2(DYRK1A):c.660G>A (p.Met220Ile)

Gene: DYRK1A (dual specificity tyrosine phosphorylation regulated kinase 1A; plus strand). Cytogenetic location: 21q22.13.
Variant type: single nucleotide variant.
Coding change: c.660G>A on transcript NM_001347721.2 (MANE Select); coding-DNA position 660, G replaced by A.
Protein change: p.Met220Ile; replaces methionine 220 with isoleucine.
Molecular consequence: missense variant.
Genome position (GRCh38, 1-based): chr21:37,490,197, G>A. VCF-style: chr21-37490197-G-A. GRCh37 (hg19) VCF-style: chr21-38862499-G-A.
Other names: c.687G>A (NM_001396.4); c.660G>A, p.Met220Ile (NM_001347722.2, NM_130436.2); c.573G>A, p.Met191Ile (NM_001347723.2); c.687G>A, p.Met229Ile (NM_001396.5, NM_101395.2, NM_130438.2); short protein forms M220I, M191I, M229I.
Identifiers: ClinVar variation 2094500 (VCV002094500.5), dbSNP rs1475520186, ClinGen allele CA409947183.
Genomic context (GRCh38, chr21:37,490,197, plus strand): 5'-GTATATATAATTTAAAATGAAACTGTTTTCTCTTTCAGTGCATTTGAAACGCCACTTTAT[G>A]TTTCGAAACCATCTCTGTTTAGTTTTTGAAATGCTGTCCTACAACCTCTATGACTTGCTG-3'
Protein context (NP_001334650.1, residues 210-230): YYIVHLKRHF[Met220Ile]FRNHLCLVFE